The following is an entry in ClinVar:

NM_033380.3(COL4A5):c.99del (p.Pro34fs)

Gene: COL4A5 (collagen type IV alpha 5 chain; plus strand). Cytogenetic location: Xq22.3.
Variant type: Deletion.
Coding change: c.99del on transcript NM_033380.3 (MANE Select); coding-DNA position 99, one base deleted (T; older notation c.99delT).
Protein change: p.Pro34fs; shifts the reading frame from proline 34.
Molecular consequence: frameshift variant.
Genome position (GRCh38, 1-based): chrX:108,539,763, T deleted. VCF-style (leftmost placement, unchanged base first): chrX-108539762-CT-C. GRCh37 (hg19) VCF-style: chrX-107782992-CT-C.
Other names: c.99del, p.Pro34fs (NM_000495.5); short protein forms P34fs.
Identifiers: ClinVar variation 3772122 (VCV003772122.13).

ClinVar aggregate classification (germline): Pathogenic (1 of 4 stars; one submission).

Submission:

CeGaT Center for Human Genetics Tuebingen
Classification: Pathogenic. Last evaluated: 2024-12-01. Review status: criteria provided, single submitter. Criteria: CeGaT Center For Human Genetics Tuebingen Variant Classification Criteria Version 2. Collection method: clinical testing. Allele origin: germline. Affected: yes. Observed: 1 variant allele.
Comment: COL4A5: PVS1, PM2